The following is an entry in ClinVar:

NM_052947.4(ALPK2):c.6374G>C (p.Cys2125Ser)

Gene: ALPK2 (alpha kinase 2; minus strand). Cytogenetic location: 18q21.31.
Variant type: single nucleotide variant.
Coding change: c.6374G>C on transcript NM_052947.4 (MANE Select); coding-DNA position 6374, G replaced by C.
Protein change: p.Cys2125Ser; replaces cysteine 2125 with serine.
Molecular consequence: missense variant.
Genome position (GRCh38, 1-based): chr18:58,481,962, C>G on the plus strand (G>C on the coding strand, the complement: ALPK2 is on the minus strand). VCF-style: chr18-58481962-C-G. GRCh37 (hg19) VCF-style: chr18-56149194-C-G.
Other names: short protein forms C2125S.
Identifiers: ClinVar variation 1753131 (VCV001753131.2), dbSNP rs2518842719, ClinGen allele CA402538629.
Genomic context (GRCh38, chr18:58,481,962, plus strand): 5'-ATGCTCGGCTGCTTCTGTTTCTGGTTGTTGTTTTGAAGGGATTTCAGTCCCAGCATTTTG[C>G]AATACTTGTTACACTGGTGTAGTGCTTTAAACTGATCAATGAAGGTCATGGAACAGTTGC-3'
Protein context (NP_443179.3, residues 2115-2135): FKALHQCNKY[Cys2125Ser]KMLGLKSLQN

ClinVar aggregate classification (germline): Uncertain significance (1 of 4 stars; one submission).

Submission:

Ambry Genetics
Classification: Uncertain significance. Last evaluated: 2022-05-30. Review status: criteria provided, single submitter. Criteria: Ambry Variant Classification Scheme 2023. Collection method: clinical testing. Allele origin: germline.
Comment: The p.C2125S variant (also known as c.6374G>C), located in coding exon 12 of the ALPK2 gene, results from a G to C substitution at nucleotide position 6374. The cysteine at codon 2125 is replaced by serine, an amino acid with dissimilar properties. This amino acid position is conserved. In addition, the in silico prediction for this alteration is inconclusive. Since supporting evidence is limited at this time, the clinical significance of this alteration remains unclear.